The following is an entry in ClinVar:

NM_004380.3(CREBBP):c.1412_1415del (p.Ser471fs)

Gene: CREBBP (CREB binding protein; minus strand). Cytogenetic location: 16p13.3.
Variant type: Deletion.
Coding change: c.1412_1415del on transcript NM_004380.3 (MANE Select); coding-DNA positions 1412 to 1415, 4 bases deleted (GTAA; older notation c.1412_1415delGTAA).
Protein change: p.Ser471fs; shifts the reading frame from serine 471.
Molecular consequence: frameshift variant.
Genome position (GRCh38, 1-based): chr16:3,782,842-3,782,845, TTAC deleted on the plus strand (GTAA on the coding strand, the reverse complement: CREBBP is on the minus strand); deleting any 4 consecutive bases within chr16:3,782,842-3,782,848 gives the same sequence; the c. name uses the placement nearest the transcript's 3' end. VCF-style (leftmost placement, unchanged base first): chr16-3782841-GTTAC-G. GRCh37 (hg19) VCF-style: chr16-3832842-GTTAC-G.
Other names: c.1298_1301del, p.Ser433fs (NM_001079846.1); short protein forms S433fs, S471fs.
Identifiers: ClinVar variation 3365733 (VCV003365733.1).

ClinVar aggregate classification (germline): Pathogenic (1 of 4 stars; one submission).

Submission:

GeneDx
Classification: Pathogenic. Last evaluated: 2023-12-14. Review status: criteria provided, single submitter. Criteria: GeneDx Variant Classification Process June 2021. Collection method: clinical testing. Allele origin: germline. Affected: yes.
Comment: Observed in an individual from a cohort of individuals with Rubinstein-Taybi syndrome (PMID: 35904121); Frameshift variant predicted to result in protein truncation or nonsense mediated decay in a gene for which loss of function is a known mechanism of disease; Not observed at significant frequency in large population cohorts (gnomAD); This variant is associated with the following publications: (PMID: 35904121)